The following is an entry in ClinVar:

ClinVar aggregate classification (germline): Uncertain significance. Review status: criteria provided, multiple submitters, no conflicts (2 of 4 stars). 2 submissions from 2 submitters: Uncertain significance (2). Last evaluated 2026-07-30.

Conditions:
CREBBP-related disorder. Also called: CREBBP-related condition; CREBBP-related disorders.
Rubinstein-Taybi syndrome (RSTS). Identifiers: Orphanet 783, MedGen C0035934, MONDO:0019188.

Submissions (2):

PreventionGenetics, part of Exact Sciences
Classification: Uncertain significance for CREBBP-related condition. Last evaluated: 2026-07-30. Review status: criteria provided, single submitter. Criteria: ACMG Guidelines, 2015. Collection method: clinical testing. Allele origin: germline.
Comment: The CREBBP c.6623_6624insGCAGCAGCAGCA variant is predicted to result in an in-frame amino acid insertion (p.Gln2213_Gln2216dup). To our knowledge, this variant has not been reported in the literature or in a large population database (gnomAD), indicating this variant is rare. At this time, the clinical significance of this variant is uncertain due to the absence of conclusive functional and genetic evidence.

Labcorp Genetics (formerly Invitae), Labcorp
Classification: Uncertain significance for Rubinstein-Taybi syndrome. Last evaluated: 2025-06-12. Review status: criteria provided, single submitter. Criteria: Invitae Variant Classification Sherloc (09022015). Collection method: clinical testing. Allele origin: germline.
Comment: This variant, c.6623_6624insGCAGCAGCAGCA, results in the insertion of 4 amino acid(s) of the CREBBP protein (p.Gln2213_Gln2216dup), but otherwise preserves the integrity of the reading frame. This variant is not present in population databases (gnomAD no frequency). This variant has not been reported in the literature in individuals affected with CREBBP-related conditions. In summary, the available evidence is currently insufficient to determine the role of this variant in disease. Therefore, it has been classified as a Variant of Uncertain Significance.

NM_004380.3(CREBBP):c.6624GCA[4] (p.Gln2216_Gly2217insGlnGlnGlnGln)

Gene: CREBBP (CREB binding lysine acetyltransferase; minus strand). Cytogenetic location: 16p13.3.
Variant type: Microsatellite.
Coding change: c.6624GCA[4] on transcript NM_004380.3 (MANE Select); four copies in a row of the 3-base unit GCA starting at c.6624.
Protein change: p.Gln2216_Gly2217insGlnGlnGlnGln.
Molecular consequence: inframe insertion.
Genome position: GRCh38 VCF-style: chr16-3728423-T-TTGCTGCTGCTGC. GRCh37 (hg19) VCF-style: chr16-3778424-T-TTGCTGCTGCTGC.
Other names: c.6510GCA[4], p.Gln2178_Gly2179insGlnGlnGlnGln (NM_001079846.1); c.6623_6624insGCAGCAGCAGCA (NM_004380.2).
Identifiers: ClinVar variation 3608255 (VCV003608255.3).